The following is an entry in ClinVar:

NM_152564.5(VPS13B):c.5720C>T (p.Ala1907Val)

Gene: VPS13B (vacuolar protein sorting 13 homolog B; plus strand). Cytogenetic location: 8q22.2.
Variant type: single nucleotide variant.
Coding change: c.5720C>T on transcript NM_152564.5 (MANE Select); coding-DNA position 5720, C replaced by T.
Protein change: p.Ala1907Val; replaces alanine 1907 with valine.
Molecular consequence: missense variant.
Genome position (GRCh38, 1-based): chr8:99,642,310, C>T. VCF-style: chr8-99642310-C-T. GRCh37 (hg19) VCF-style: chr8-100654538-C-T.
Other names: c.5795C>T, p.Ala1932Val (NM_017890.5); c.5795C>T (NM_017890.3); c.5720C>T (NM_152564.4); short protein forms A1932V, A1907V.
Identifiers: ClinVar variation 1389674 (VCV001389674.6), dbSNP rs913328995, ClinGen allele CA183013621.

ClinVar aggregate classification (germline): Uncertain significance. Review status: criteria provided, multiple submitters, no conflicts (2 of 4 stars). 3 submissions from 3 submitters: Uncertain significance (3). Last evaluated 2025-12-01.

Conditions:
Cohen syndrome (COH1). Also called: Cutis verticis gyrata, retinitis pigmentosa, and sensorineural deafness; PEPPER SYNDROME. Identifiers: Orphanet 193, MedGen C0265223, MONDO:0008999, OMIM 216550.
VPS13B-related disorder. Also called: VPS13B-related condition.
Inborn genetic diseases. Identifiers: MedGen C0950123, MeSH D030342.

Allele frequency attached by ClinVar (database versions not stated): gnomAD exomes below 0.00001; gnomAD 0.00001; TOPMed 0.00003.
gnomAD v4.1: 6 of 1,613,996 alleles (0.00037%); highest among the groups gnomAD compares: Admixed American, 0.0017%; no homozygotes.

Submissions (3):

PreventionGenetics, part of Exact Sciences
Classification: Uncertain significance for VPS13B-related condition. Last evaluated: 2025-12-01. Review status: criteria provided, single submitter. Criteria: ACMG Guidelines, 2015. Collection method: clinical testing. Allele origin: germline.
Comment: The VPS13B c.5720C>T variant is predicted to result in the amino acid substitution p.Ala1907Val. To our knowledge, this variant has not been reported in the literature or in a large population database (gnomAD), indicating this variant is rare. At this time, the clinical significance of this variant is uncertain due to the absence of conclusive functional and genetic evidence.

Ambry Genetics
Classification: Uncertain significance for Inborn genetic diseases. Last evaluated: 2025-08-30. Review status: criteria provided, single submitter. Criteria: Ambry Variant Classification Scheme 2023. Collection method: clinical testing. Allele origin: germline.

Labcorp Genetics (formerly Invitae), Labcorp
Classification: Uncertain significance for Cohen syndrome. Last evaluated: 2024-04-22. Review status: criteria provided, single submitter. Criteria: Invitae Variant Classification Sherloc (09022015). Collection method: clinical testing. Allele origin: germline.
Comment: This sequence change replaces alanine, which is neutral and non-polar, with valine, which is neutral and non-polar, at codon 1932 of the VPS13B protein (p.Ala1932Val). This variant is not present in population databases (gnomAD no frequency). This variant has not been reported in the literature in individuals affected with VPS13B-related conditions. ClinVar contains an entry for this variant (Variation ID: 1389674). Advanced modeling of protein sequence and biophysical properties (such as structural, functional, and spatial information, amino acid conservation, physicochemical variation, residue mobility, and thermodynamic stability) performed at Invitae indicates that this missense variant is expected to disrupt VPS13B protein function with a positive predictive value of 80%. In summary, the available evidence is currently insufficient to determine the role of this variant in disease. Therefore, it has been classified as a Variant of Uncertain Significance.